The following is an entry in ClinVar:

NM_000138.5(FBN1):c.6772T>C (p.Cys2258Arg)

Gene: FBN1 (fibrillin 1; minus strand). Cytogenetic location: 15q21.1.
Variant type: single nucleotide variant.
Coding change: c.6772T>C on transcript NM_000138.5 (MANE Select); coding-DNA position 6772, T replaced by C.
Protein change: p.Cys2258Arg; replaces cysteine 2258 with arginine.
Molecular consequence: missense variant.
Genome position (GRCh38, 1-based): chr15:48,430,770, A>G on the plus strand (T>C on the coding strand, the complement: FBN1 is on the minus strand). VCF-style: chr15-48430770-A-G. GRCh37 (hg19) VCF-style: chr15-48722967-A-G.
Other names: short protein forms C2258R.
Identifiers: ClinVar variation 379489 (VCV000379489.6), dbSNP rs1057520617, ClinGen allele CA16607087.

ClinVar aggregate classification (germline): Pathogenic/Likely pathogenic. Review status: criteria provided, multiple submitters, no conflicts (2 of 4 stars). 5 submissions from 5 submitters: Pathogenic (3); Likely pathogenic (1). 1 of the submissions does not count toward it. Last evaluated 2024-11-07.

Conditions:
Marfan syndrome (MFS). Also called: Marfan syndrome, classic; Marfan syndrome type 1; Marfan's syndrome; MARFAN SYNDROME, TYPE I; FBN1-Related Marfan Syndrome. Identifiers: Orphanet 284963, Orphanet 558, MedGen C0024796, MONDO:0007947, OMIM 154700.
Familial thoracic aortic aneurysm and aortic dissection (TAAD). Also called: Thoracic aortic aneurysms and dissections. Identifiers: Orphanet 91387, MedGen C4707243, MONDO:0019625.
FBN1-related disorder. Also called: FBN1-related disorders.

Submissions (5):

Blueprint Genetics
Classification: Pathogenic for FBN1-related disorders. Last evaluated: 2024-11-07. Review status: criteria provided, single submitter. Criteria: ACMG Guidelines, 2015. Collection method: clinical testing. Allele origin: germline. Affected: yes. Observed: 1 variant allele.

Labcorp Genetics (formerly Invitae), Labcorp
Classification: Pathogenic for Marfan syndrome; Familial thoracic aortic aneurysm and aortic dissection. Last evaluated: 2023-06-27. Review status: criteria provided, single submitter. Criteria: Invitae Variant Classification Sherloc (09022015). Collection method: clinical testing. Allele origin: germline.
Comment: For these reasons, this variant has been classified as Pathogenic. This variant disrupts the p.Cys2258 amino acid residue in FBN1. Other variant(s) that disrupt this residue have been observed in individuals with FBN1-related conditions (PMID: 10647894), which suggests that this may be a clinically significant amino acid residue. This variant affects a cysteine residue in the EGF-like, TGFBP or hybrid motif domains of FBN1. Cysteine residues are believed to be involved in intramolecular disulfide bridges and have been shown to be important for FBN1 protein structure (PMID: 16905551, 19349279). In addition, missense substitutions affecting cysteine residues within these domains are significantly overrepresented among patients with Marfan syndrome (PMID: 16571647, 17701892). Advanced modeling of protein sequence and biophysical properties (such as structural, functional, and spatial information, amino acid conservation, physicochemical variation, residue mobility, and thermodynamic stability) performed at Invitae indicates that this missense variant is expected to disrupt FBN1 protein function. ClinVar contains an entry for this variant (Variation ID: 379489). This missense change has been observed in individuals with clinical features of Marfan syndrome and thoracic aortic aneurysm and dissection (PMID: 9338581, 31211624). This variant is not present in population databases (gnomAD no frequency). This sequence change replaces cysteine, which is neutral and slightly polar, with arginine, which is basic and polar, at codon 2258 of the FBN1 protein (p.Cys2258Arg).

Laboratory for Molecular Medicine, Mass General Brigham Personalized Medicine
Classification: Likely pathogenic for Marfan syndrome. Last evaluated: 2019-04-17. Review status: criteria provided, single submitter. Criteria: ACMG Guidelines, 2015. Collection method: clinical testing. Allele origin: germline. Inheritance: Autosomal dominant inheritance.
Comment: The p.Cys2258Arg variant in FBN1 has been identified in at least 2 individuals with Marfan syndrome (Hayward 1997, Stheneur 2009) and was absent from large population studies. In addition, 2 other variants at the same position (p.Cys2258Gly and p.Cys2258Tyr) have also been identified in individuals with Marfan syndrome, suggesting that changes at this position are not tolerated. Furthermore, this variant affects a highly conserved cysteine residue in the EGF-like domains, which is a common finding in individuals with Marfan syndrome (Schrijver 1999). In summary, although additional studies are required to fully establish its clinical significance, this variant meets criteria to be classified as likely pathogenic for autosomal dominant Marfan syndrome. ACMG/AMP Criteria applied: PM1; PM2; PP3; PS4_Supporting.

GeneDx
Classification: Pathogenic. Last evaluated: 2015-04-17. Review status: criteria provided, single submitter. Criteria: GeneDx Variant Classification (06012015). Collection method: clinical testing. Allele origin: germline. Affected: yes.
Comment: The C2258R variant in the FBN1 gene has been previously reported in one individual with features ofMarfan syndrome, including ocular, skeletal, and cardiovascular features (Hayward C et al., 1997). Thissubstitution was absent from 120 control alleles without features of Marfan and identified in the proband's otheraffected relatives (Hayward et al., 1997). Furthermore, the C2258R variant was not observed inapproximately 6500 individuals of European and African American ancestry in the NHLBI Exome SequencingProject, indicating it is not a common benign variant in these populations. The C2258R variant is a non-conservative amino acid substitution, which is likely to impact secondary protein structure as these residuesdiffer in polarity, charge, size and/or other properties. This substitution occurs at a position that is conservedacross species. In silico analysis predicts this variant is probably damaging to the protein structure/function.C2258R affects a Cysteine residue within a calcium-binding EGF-like domain of the FBN1, which may affectdisulfide bonding and is predicted to alter the structure and function of the protein. Cysteine substitutions inthe calcium-binding EGF-like domains represent the majority of pathogenic missense changes associated withMarfan syndrome (Collod-Beroud et al., 2003). Additionally a missense variant in the same residue(C2258Y) and in nearby residues (C2265F, C2265Y) have been reported in HGMD in association with Marfansyndrome (Stenson P et al., 2014), further supporting the functional importance of this residue and region ofthe protein. In summary, C2258R in the FBN1 gene is interpreted as a pathogenic variant.

Center for Medical Genetics Ghent, University of Ghent
Classification: Likely pathogenic for Marfan syndrome. Last evaluated: 2017-11-07. Review status: no assertion criteria provided. Collection method: clinical testing. Allele origin: germline. Affected: yes. Not counted in ClinVar's aggregate classification.

Literature cited by the submitters: PubMed 10647894 (cited by Labcorp Genetics (formerly Invitae), Labcorp); PubMed 16905551 (cited by Labcorp Genetics (formerly Invitae), Labcorp); PubMed 19349279 (cited by Labcorp Genetics (formerly Invitae), Labcorp); PubMed 16571647 (cited by Labcorp Genetics (formerly Invitae), Labcorp); PubMed 17701892 (cited by Labcorp Genetics (formerly Invitae), Labcorp); PubMed 9338581 (cited by Labcorp Genetics (formerly Invitae), Labcorp and Laboratory for Molecular Medicine, Mass General Brigham Personalized Medicine); PubMed 31211624 (cited by Labcorp Genetics (formerly Invitae), Labcorp); PubMed 19293843 (cited by Laboratory for Molecular Medicine, Mass General Brigham Personalized Medicine).